The following is an entry in ClinVar:

NM_183357.3(ADCY5):c.3119T>C (p.Leu1040Pro)

Gene: ADCY5 (adenylate cyclase 5; minus strand). Cytogenetic location: 3q21.1.
Variant type: single nucleotide variant.
Coding change: c.3119T>C on transcript NM_183357.3 (MANE Select); coding-DNA position 3119, T replaced by C.
Protein change: p.Leu1040Pro; replaces leucine 1040 with proline.
Molecular consequence: missense variant.
Genome position (GRCh38, 1-based): chr3:123,291,321, A>G on the plus strand (T>C on the coding strand, the complement: ADCY5 is on the minus strand). VCF-style: chr3-123291321-A-G. GRCh37 (hg19) VCF-style: chr3-123010168-A-G.
Other names: c.2069T>C, p.Leu690Pro (NM_001199642.1); c.3194T>C, p.Leu1065Pro (NM_001378259.1); short protein forms L1040P, L690P, L1065P.
Identifiers: ClinVar variation 1411824 (VCV001411824.6), dbSNP rs2108195005, ClinGen allele CA354223777.

ClinVar aggregate classification (germline): Uncertain significance. Review status: criteria provided, multiple submitters, no conflicts (2 of 4 stars). 2 submissions from 2 submitters: Uncertain significance (2). Last evaluated 2023-10-16.

Submissions (2):

Women's Health and Genetics/Laboratory Corporation of America, LabCorp
Classification: Uncertain significance. Last evaluated: 2023-10-16. Review status: criteria provided, single submitter. Criteria: LabCorp Variant Classification Summary - May 2015. Collection method: clinical testing. Allele origin: germline.
Comment: Variant summary: ADCY5 c.3119T>C (p.Leu1040Pro) results in a non-conservative amino acid change in the encoded protein sequence. Five of five in-silico tools predict a damaging effect of the variant on protein function. The variant was absent in 249984 control chromosomes (gnomAD). The available data on variant occurrences in the general population are insufficient to allow any conclusion about variant significance. To our knowledge, no occurrence of c.3119T>C in individuals affected with Familial Dyskinesia With Facial Myokymia and no experimental evidence demonstrating its impact on protein function have been reported. One submitter has cited clinical-significance assessments for this variant to ClinVar after 2014 and has classified the variant as uncertain significance. Based on the evidence outlined above, the variant was classified as uncertain significance.

Labcorp Genetics (formerly Invitae), Labcorp
Classification: Uncertain significance. Last evaluated: 2021-08-24. Review status: criteria provided, single submitter. Criteria: Invitae Variant Classification Sherloc (09022015). Collection method: clinical testing. Allele origin: germline.
Comment: This variant has not been reported in the literature in individuals affected with ADCY5-related conditions. In summary, the available evidence is currently insufficient to determine the role of this variant in disease. Therefore, it has been classified as a Variant of Uncertain Significance. Advanced modeling of protein sequence and biophysical properties (such as structural, functional, and spatial information, amino acid conservation, physicochemical variation, residue mobility, and thermodynamic stability) performed at Invitae indicates that this missense variant is expected to disrupt ADCY5 protein function. This variant is not present in population databases (ExAC no frequency). This sequence change replaces leucine with proline at codon 1040 of the ADCY5 protein (p.Leu1040Pro). The leucine residue is highly conserved and there is a moderate physicochemical difference between leucine and proline.